The following is an entry in ClinVar:

NM_006567.5(FARS2):c.1262T>C (p.Met421Thr)

Gene: FARS2 (phenylalanyl-tRNA synthetase 2, mitochondrial; plus strand). Cytogenetic location: 6p25.1.
Variant type: single nucleotide variant.
Coding change: c.1262T>C on transcript NM_006567.5 (MANE Select); coding-DNA position 1262, T replaced by C.
Protein change: p.Met421Thr; replaces methionine 421 with threonine.
Molecular consequence: missense variant.
Genome position (GRCh38, 1-based): chr6:5,771,335, T>C. VCF-style: chr6-5771335-T-C. GRCh37 (hg19) VCF-style: chr6-5771568-T-C.
Other names: c.1262T>C, p.Met421Thr (NM_001318872.2, NM_001374875.1, NM_001374876.1 and 4 more transcripts); c.1130T>C, p.Met377Thr (NM_001375258.1); c.566T>C, p.Met189Thr (NM_001375259.1, NM_001375260.1); short protein forms M189T, M377T, M421T.
Identifiers: ClinVar variation 2169416 (VCV002169416.4), dbSNP rs1763038167, ClinGen allele CA362737304.

ClinVar aggregate classification (germline): Uncertain significance (1 of 4 stars; one submission).

Conditions:
Combined oxidative phosphorylation defect type 14. Also called: Combined oxidative phosphorylation deficiency 14. Identifiers: Orphanet 319519, MedGen C4755312, MONDO:0013986, OMIM 614946.

Submission:

Labcorp Genetics (formerly Invitae), Labcorp
Classification: Uncertain significance for Combined oxidative phosphorylation defect type 14. Last evaluated: 2022-03-29. Review status: criteria provided, single submitter. Criteria: Invitae Variant Classification Sherloc (09022015). Collection method: clinical testing. Allele origin: germline.
Comment: This sequence change replaces methionine, which is neutral and non-polar, with threonine, which is neutral and polar, at codon 421 of the FARS2 protein (p.Met421Thr). This variant is not present in population databases (gnomAD no frequency). This variant has not been reported in the literature in individuals affected with FARS2-related conditions. Algorithms developed to predict the effect of missense changes on protein structure and function (SIFT, PolyPhen-2, Align-GVGD) all suggest that this variant is likely to be tolerated. In summary, the available evidence is currently insufficient to determine the role of this variant in disease. Therefore, it has been classified as a Variant of Uncertain Significance.